The following is an entry in ClinVar:

NM_173477.5(USH1G):c.445_450delinsCGCCAAGCTGCAGCGGA (p.Glu149fs)

Gene: USH1G (USH1 protein network component sans; minus strand). Cytogenetic location: 17q25.1.
Variant type: Indel.
Coding change: c.445_450delinsCGCCAAGCTGCAGCGGA on transcript NM_173477.5 (MANE Select); coding-DNA positions 445 to 450, GAGTGC replaced by CGCCAAGCTGCAGCGGA.
Protein change: p.Glu149fs; shifts the reading frame from glutamic acid 149.
Molecular consequence: frameshift variant.
Genome position (GRCh38, 1-based): chr17:74,920,386-74,920,391, GCACTC replaced by TCCGCTGCAGCTTGGCG on the plus strand (GAGTGC replaced by CGCCAAGCTGCAGCGGA on the coding strand, the reverse complement: USH1G is on the minus strand). VCF-style: chr17-74920386-GCACTC-TCCGCTGCAGCTTGGCG. GRCh37 (hg19) VCF-style: chr17-72916481-GCACTC-TCCGCTGCAGCTTGGCG.
Other names: c.136_141delinsCGCCAAGCTGCAGCGGA, p.Glu46fs (NM_001282489.3); short protein forms E149fs, E46fs.
Identifiers: ClinVar variation 3052377 (VCV003052377.2), dbSNP rs2544431166, ClinGen allele CA2740093916.

ClinVar aggregate classification (germline): Likely pathogenic (0 of 4 stars; one submission).

Conditions:
USH1G-related disorder. Also called: USH1G-related disorders; USH1G-related condition.

Submission:

PreventionGenetics, part of Exact Sciences
Classification: Likely pathogenic for USH1G-related condition. Last evaluated: 2024-02-06. Review status: no assertion criteria provided. Collection method: clinical testing. Allele origin: germline.
Comment: The USH1G c.445_450delinsCGCCAAGCTGCAGCGGA variant is predicted to result in a frameshift and premature protein termination (p.Glu149Argfs*42). To our knowledge, this variant has not been reported in the literature or in a large population database, indicating this variant is rare. Frameshift variants in USH1G are expected to be pathogenic. This variant is interpreted as likely pathogenic.